The following is an entry in ClinVar:

NM_000900.5(MGP):c.34G>A (p.Ala12Thr)

Gene: MGP (matrix Gla protein; minus strand). Cytogenetic location: 12p12.3.
Variant type: single nucleotide variant.
Coding change: c.34G>A on transcript NM_000900.5 (MANE Select); coding-DNA position 34, G replaced by A.
Protein change: p.Ala12Thr; replaces alanine 12 with threonine.
Molecular consequence: missense variant.
Genome position (GRCh38, 1-based): chr12:14,885,758, C>T on the plus strand (G>A on the coding strand, the complement: MGP is on the minus strand). VCF-style: chr12-14885758-C-T. GRCh37 (hg19) VCF-style: chr12-15038692-C-T.
Other names: c.34G>A, p.Ala12Thr (NM_001190839.3); short protein forms A12T.
Identifiers: ClinVar variation 3015415 (VCV003015415.2), dbSNP rs184536928, ClinGen allele CA6465234.

ClinVar aggregate classification (germline): Uncertain significance (1 of 4 stars; one submission).

Allele frequency attached by ClinVar (database versions not stated): gnomAD 0.00002; TOPMed 0.00002; ExAC 0.00006; 1000 Genomes Project 30x 0.00016; 1000 Genomes Project 0.00020.

Submission:

Labcorp Genetics (formerly Invitae), Labcorp
Classification: Uncertain significance. Last evaluated: 2024-01-26. Review status: criteria provided, single submitter. Criteria: Invitae Variant Classification Sherloc (09022015). Collection method: clinical testing. Allele origin: germline.
Comment: This sequence change replaces alanine, which is neutral and non-polar, with threonine, which is neutral and polar, at codon 12 of the MGP protein (p.Ala12Thr). This variant is present in population databases (rs184536928, gnomAD 0.02%). This variant has not been reported in the literature in individuals affected with MGP-related conditions. Algorithms developed to predict the effect of missense changes on protein structure and function output the following: SIFT: "Not Available"; PolyPhen-2: "Probably Damaging"; Align-GVGD: "Not Available". The threonine amino acid residue is found in multiple mammalian species, which suggests that this missense change does not adversely affect protein function. In summary, the available evidence is currently insufficient to determine the role of this variant in disease. Therefore, it has been classified as a Variant of Uncertain Significance.